The following is an entry in ClinVar:

NM_000059.4(BRCA2):c.9644T>C (p.Leu3215Pro)

Gene: BRCA2 (BRCA2 DNA repair associated; plus strand). Cytogenetic location: 13q13.1.
Variant type: single nucleotide variant.
Coding change: c.9644T>C on transcript NM_000059.4 (MANE Select); coding-DNA position 9644, T replaced by C.
Protein change: p.Leu3215Pro; replaces leucine 3215 with proline.
Molecular consequence: missense variant. On other transcripts: non-coding transcript variant (1).
Genome position (GRCh38, 1-based): chr13:32,397,040, T>C. VCF-style: chr13-32397040-T-C. GRCh37 (hg19) VCF-style: chr13-32971177-T-C.
Other names: c.9548T>C, p.Leu3183Pro (NM_001406719.1); c.9593T>C, p.Leu3198Pro (NM_001406720.1); c.4712T>C, p.Leu1571Pro (NM_001406721.1); c.3227T>C, p.Leu1076Pro (NM_001406722.1); c.9644T>C, p.Leu3215Pro (NM_001432077.1); short protein forms L1076P, L1571P, L3183P, L3198P, L3215P.
Identifiers: ClinVar variation 4856455 (VCV004856455.1).

ClinVar aggregate classification (germline): Likely benign (1 of 4 stars; one submission).

Conditions:
Breast-ovarian cancer, familial, susceptibility to, 2 (BROVCA2). Also called: BRCA2 Hereditary Breast and Ovarian Cancer. Identifiers: Orphanet 145, MedGen C2675520, MONDO:0012933, OMIM 612555. Disease mechanism: loss of function.

gnomAD v4.1: 1 of 1,613,890 alleles (0.000062%); highest among the groups gnomAD compares: South Asian, 0.0011%; no homozygotes.

Submission:

Cancer Bioinformatics and Tumour Evolution Laboratory, Monash University
Classification: Likely benign for Breast-ovarian cancer, familial, susceptibility to, 2. Last evaluated: 2026-05-01. Review status: criteria provided, single submitter. Criteria: ClinGen BRCA1 and BRCA2 Guidelines, 2024. Collection method: curation. Allele origin: germline. Inheritance: Autosomal dominant inheritance.
Comment: Missense variant outside of a functional domain with no splice impact. BRCA1 and BRCA2 VCEP guidelines recommend application of BP1_Strong (PMID: 39142283) PMID: 39779848 - SGE followed by HDR on mES cells. This variant (c.9644T>C; p.Leu3215Pro) was classified as uncertain. Other missenses at this position were strongly benign except c.9643C>G; p.L3215V, which was strongly pathogenic. Hence no evidence code is applied.

Literature cited by the submitters: PubMed 39779857.